The following is an entry in ClinVar:

ClinVar aggregate classification (germline): Pathogenic (1 of 4 stars; one submission).

Allele frequency attached by ClinVar (database versions not stated): ExAC 0.00001; gnomAD exomes 0.00001.
gnomAD v4.1: 8 of 1,613,606 alleles (0.0005%); highest among the groups gnomAD compares: African/African-American, 0.0013%; no homozygotes.

Submission:

Labcorp Genetics (formerly Invitae), Labcorp
Classification: Pathogenic. Last evaluated: 2023-12-29. Review status: criteria provided, single submitter. Criteria: Invitae Variant Classification Sherloc (09022015). Collection method: clinical testing. Allele origin: germline.
Comment: This sequence change creates a premature translational stop signal (p.Arg625*) in the COL17A1 gene. It is expected to result in an absent or disrupted protein product. Loss-of-function variants in COL17A1 are known to be pathogenic (PMID: 16473856, 17344927, 20301304, 21357940, 24319098). The frequency data for this variant in the population databases is considered unreliable, as metrics indicate poor data quality at this position in the gnomAD database. This premature translational stop signal has been observed in individual(s) with amelogenesis imperfecta (PMID: 26502894, 27558265). ClinVar contains an entry for this variant (Variation ID: 1384976). For these reasons, this variant has been classified as Pathogenic.

Literature cited by the submitters: PubMed 16473856; PubMed 17344927; PubMed 20301304; PubMed 21357940; PubMed 24319098; PubMed 26502894; PubMed 27558265.

NM_000494.4(COL17A1):c.1873C>T (p.Arg625Ter)

Gene: COL17A1 (collagen type XVII alpha 1 chain; minus strand). Cytogenetic location: 10q25.1.
Variant type: single nucleotide variant.
Coding change: c.1873C>T on transcript NM_000494.4 (MANE Select); coding-DNA position 1873, C replaced by T.
Protein change: p.Arg625Ter; replaces arginine 625 with a stop codon.
Molecular consequence: nonsense.
Genome position (GRCh38, 1-based): chr10:104,053,097, G>A on the plus strand (C>T on the coding strand, the complement: COL17A1 is on the minus strand). VCF-style: chr10-104053097-G-A. GRCh37 (hg19) VCF-style: chr10-105812855-G-A.
Other names: short protein forms R625*.
Identifiers: ClinVar variation 1384976 (VCV001384976.8), dbSNP rs747301994, ClinGen allele CA5678826.